The following is an entry in ClinVar:

ClinVar aggregate classification (germline): Uncertain significance (1 of 4 stars; one submission).

Allele frequency attached by ClinVar (database versions not stated): gnomAD exomes below 0.00001; gnomAD 0.00001; TOPMed 0.00001.
gnomAD v4.1: 6 of 1,614,046 alleles (0.00037%); highest among the groups gnomAD compares: Admixed American, 0.0017%; no homozygotes.

Submission:

Labcorp Genetics (formerly Invitae), Labcorp
Classification: Uncertain significance. Last evaluated: 2025-05-18. Review status: criteria provided, single submitter. Criteria: Invitae Variant Classification Sherloc (09022015). Collection method: clinical testing. Allele origin: germline.
Comment: This sequence change replaces arginine, which is basic and polar, with cysteine, which is neutral and slightly polar, at codon 3619 of the TRRAP protein (p.Arg3619Cys). This variant is not present in population databases (gnomAD no frequency). This missense change has been observed in individual(s) with autism spectrum disorder (PMID: 28191889). This variant is also known as NM_001244580.1:c.10942C>T. ClinVar contains an entry for this variant (Variation ID: 1897399). Invitae Evidence Modeling of protein sequence and biophysical properties (such as structural, functional, and spatial information, amino acid conservation, physicochemical variation, residue mobility, and thermodynamic stability) indicates that this missense variant is expected to disrupt TRRAP protein function with a positive predictive value of 80%. In summary, the available evidence is currently insufficient to determine the role of this variant in disease. Therefore, it has been classified as a Variant of Uncertain Significance.

Literature cited by the submitters: PubMed 28191889.

NM_001375524.1(TRRAP):c.10984C>T (p.Arg3662Cys)

Gene: TRRAP (transformation/transcription domain associated protein; plus strand). Cytogenetic location: 7q22.1.
Variant type: single nucleotide variant.
Coding change: c.10984C>T on transcript NM_001375524.1 (MANE Select); coding-DNA position 10984, C replaced by T.
Protein change: p.Arg3662Cys; replaces arginine 3662 with cysteine.
Molecular consequence: missense variant.
Genome position (GRCh38, 1-based): chr7:99,011,097, C>T. VCF-style: chr7-99011097-C-T. GRCh37 (hg19) VCF-style: chr7-98608720-C-T.
Other names: c.10942C>T, p.Arg3648Cys (NM_001244580.2); c.10855C>T, p.Arg3619Cys (NM_003496.4); short protein forms R3662C, R3619C, R3648C.
Identifiers: ClinVar variation 1897399 (VCV001897399.5), dbSNP rs1262655531, ClinGen allele CA368341940.